The following is an entry in ClinVar:

NM_001128164.2(ATXN1):c.627_644del (p.His209_Gln214del)

Genes: ATXN1 (ataxin 1; minus strand), LOC108663993 (ataxin 1 repeat instability region; plus strand). Cytogenetic location: 6p22.3.
Variant type: Deletion.
Coding change: c.627_644del on transcript NM_001128164.2 (MANE Select); coding-DNA positions 627 to 644, 18 bases deleted (TCAGCATCAGCAGCAGCA).
Protein change: p.His209_Gln214del.
Molecular consequence: inframe deletion. On other transcripts: 3 prime UTR variant (1).
Genome position (GRCh38, 1-based): chr6:16,327,667-16,327,684, TGCTGCTGCTGATGCTGA deleted on the plus strand (TCAGCATCAGCAGCAGCA on the coding strand, the reverse complement: ATXN1 is on the minus strand); deleting any 18 consecutive bases within chr6:16,327,667-16,327,695 gives the same sequence; the c. name uses the placement nearest the transcript's 3' end. VCF-style (leftmost placement, unchanged base first): chr6-16327666-CTGCTGCTGCTGATGCTGA-C. GRCh37 (hg19) VCF-style: chr6-16327897-CTGCTGCTGCTGATGCTGA-C.
Other names: c.627_644del, p.His209_Gln214del (NM_000332.4); c.*40_*57del (NM_001357857.2).
Identifiers: ClinVar variation 2656250 (VCV002656250.24), dbSNP rs764151048, ClinGen allele CA3645549.

ClinVar aggregate classification (germline): Benign (1 of 4 stars; one submission).

Submission:

CeGaT Center for Human Genetics Tuebingen
Classification: Benign. Last evaluated: 2023-01-01. Review status: criteria provided, single submitter. Criteria: CeGaT Center For Human Genetics Tuebingen Variant Classification Criteria Version 2. Collection method: clinical testing. Allele origin: germline. Affected: yes. Observed: 1 variant allele.
Comment: ATXN1: BS1, BS2